The following is an entry in ClinVar:

NM_133496.5(SLC30A7):c.566A>G (p.His189Arg)

Gene: SLC30A7 (solute carrier family 30 member 7; plus strand). Cytogenetic location: 1p21.2.
Variant type: single nucleotide variant.
Coding change: c.566A>G on transcript NM_133496.5 (MANE Select); coding-DNA position 566, A replaced by G.
Protein change: p.His189Arg; replaces histidine 189 with arginine.
Molecular consequence: missense variant.
Genome position (GRCh38, 1-based): chr1:100,913,717, A>G. VCF-style: chr1-100913717-A-G. GRCh37 (hg19) VCF-style: chr1-101379273-A-G.
Other names: c.566A>G, p.His189Arg (NM_001144884.2); c.566A>G (NM_133496.4); short protein forms H189R.
Identifiers: ClinVar variation 1523769 (VCV001523769.9), dbSNP rs111335585, ClinGen allele CA972132.

ClinVar aggregate classification (germline): Uncertain significance. Review status: criteria provided, multiple submitters, no conflicts (2 of 4 stars). 2 submissions from 2 submitters: Uncertain significance (2). Last evaluated 2022-06-23.

Allele frequency attached by ClinVar (database versions not stated): gnomAD exomes 0.00020 and 0.00043; TOPMed 0.00029; ExAC 0.00034; gnomAD 0.00042 and 0.00045; ESP Exome Variant Server 0.00062.
gnomAD v4.1: 687 of 1,613,966 alleles (0.043%); highest among the groups gnomAD compares: Non-Finnish European, 0.054%; no homozygotes.

Submissions (2):

Labcorp Genetics (formerly Invitae), Labcorp
Classification: Uncertain significance. Last evaluated: 2022-06-23. Review status: criteria provided, single submitter. Criteria: Invitae Variant Classification Sherloc (09022015). Collection method: clinical testing. Allele origin: germline.
Comment: This variant has not been reported in the literature in individuals affected with SLC30A7-related conditions. This sequence change replaces histidine, which is basic and polar, with arginine, which is basic and polar, at codon 189 of the SLC30A7 protein (p.His189Arg). This variant is present in population databases (rs111335585, gnomAD 0.06%), and has an allele count higher than expected for a pathogenic variant. Algorithms developed to predict the effect of missense changes on protein structure and function (SIFT, PolyPhen-2, Align-GVGD) all suggest that this variant is likely to be tolerated. In summary, the available evidence is currently insufficient to determine the role of this variant in disease. Therefore, it has been classified as a Variant of Uncertain Significance.

Ambry Genetics
Classification: Uncertain significance. Last evaluated: 2021-08-12. Review status: criteria provided, single submitter. Criteria: Ambry Variant Classification Scheme 2023. Collection method: clinical testing. Allele origin: germline.